The following is an entry in ClinVar:

NM_000827.4(GRIA1):c.818G>A (p.Ser273Asn)

Gene: GRIA1 (glutamate ionotropic receptor AMPA type subunit 1; plus strand). Cytogenetic location: 5q33.2.
Variant type: single nucleotide variant.
Coding change: c.818G>A on transcript NM_000827.4 (MANE Select); coding-DNA position 818, G replaced by A.
Protein change: p.Ser273Asn; replaces serine 273 with asparagine.
Molecular consequence: missense variant. On other transcripts: non-coding transcript variant (2).
Genome position (GRCh38, 1-based): chr5:153,674,618, G>A. VCF-style: chr5-153674618-G-A. GRCh37 (hg19) VCF-style: chr5-153054178-G-A.
Other names: c.818G>A, p.Ser273Asn (NM_001114183.2, NM_001364165.2); c.578G>A, p.Ser193Asn (NM_001258019.2); c.533G>A, p.Ser178Asn (NM_001258020.2); c.848G>A, p.Ser283Asn (NM_001258021.2, NM_001258022.2); c.611G>A, p.Ser204Asn (NM_001258023.1, NM_001364167.2); c.845G>A, p.Ser282Asn (NM_001364166.2); short protein forms S178N, S193N, S204N, S273N, S282N, S283N.
Identifiers: ClinVar variation 3385024 (VCV003385024.1).
Genomic context (GRCh38, chr5:153,674,618, plus strand): 5'-TCCAGCTGGTGAACTACACAGACACTATTCCGGCCAAGATCATGCAGCAGTGGAAGAATA[G>A]TGATGCTCGAGACCACACACGGGTGGACTGGAAGAGACCCAAGGTGAGTGGATGGGCAGC-3'
Protein context (NP_000818.2, residues 263-283): PAKIMQQWKN[Ser273Asn]DARDHTRVDW

ClinVar aggregate classification (germline): Uncertain significance (1 of 4 stars; one submission).

Submission:

Women's Health and Genetics/Laboratory Corporation of America, LabCorp
Classification: Uncertain significance. Last evaluated: 2024-10-01. Review status: criteria provided, single submitter. Criteria: LabCorp Variant Classification Summary - May 2015. Collection method: clinical testing. Allele origin: germline.
Comment: Variant summary: GRIA1 c.818G>A (p.Ser273Asn) results in a conservative amino acid change located in the Receptor, ligand binding region (IPR001828) of the encoded protein sequence. Four of five in-silico tools predict a benign effect of the variant on protein function. The variant was absent in 250850 control chromosomes. The available data on variant occurrences in the general population are insufficient to allow any conclusion about variant significance. To our knowledge, no occurrence of c.818G>A in individuals affected with Intellectual Developmental Disorder, Autosomal Dominant 67 and no experimental evidence demonstrating its impact on protein function have been reported. No submitters have cited clinical-significance assessments for this variant to ClinVar. Based on the evidence outlined above, the variant was classified as uncertain significance.